The following is an entry in ClinVar:

ClinVar aggregate classification (germline): Uncertain significance. Review status: criteria provided, multiple submitters, no conflicts (2 of 4 stars). 4 submissions from 4 submitters: Uncertain significance (4). Last evaluated 2024-11-19.

Conditions:
Cardiovascular phenotype. Identifiers: MedGen CN230736.
Cardiomyopathy (CMYO). Also called: Cardiomyopathies. Identifiers: Orphanet 167848, MedGen C0878544, MONDO:0004994, HP:0001638. Inheritance: Various modes of inheritance.
Danon disease. Also called: Glycogen Storage Disease Type IIb; PSEUDOGLYCOGENOSIS II; ANTOPOL DISEASE; GSD IIb; LYSOSOMAL GLYCOGEN STORAGE DISEASE WITHOUT ACID MALTASE DEFICIENCY. Identifiers: Orphanet 34587, MedGen C0878677, MONDO:0010281, OMIM 300257.

Allele frequency attached by ClinVar (database versions not stated): TOPMed below 0.00001.
gnomAD v4.1: 2 of 1,201,270 alleles (0.00017%); highest among the groups gnomAD compares: Non-Finnish European, 0.00023%; no homozygotes.

Submissions (4):

Ambry Genetics
Classification: Uncertain significance for Cardiovascular phenotype. Last evaluated: 2024-11-19. Review status: criteria provided, single submitter. Criteria: Ambry Variant Classification Scheme 2023. Collection method: clinical testing. Allele origin: germline.
Comment: The p.P127R variant (also known as c.380C>G), located in coding exon 3 of the LAMP2 gene, results from a C to G substitution at nucleotide position 380. The proline at codon 127 is replaced by arginine, an amino acid with dissimilar properties. This amino acid position is highly conserved in available vertebrate species. In addition, this alteration is predicted to be deleterious by in silico analysis. Based on the available evidence, the clinical significance of this variant remains unclear.

Labcorp Genetics (formerly Invitae), Labcorp
Classification: Uncertain significance for Danon disease. Last evaluated: 2024-05-18. Review status: criteria provided, single submitter. Criteria: Invitae Variant Classification Sherloc (09022015). Collection method: clinical testing. Allele origin: germline.
Comment: This sequence change replaces proline, which is neutral and non-polar, with arginine, which is basic and polar, at codon 127 of the LAMP2 protein (p.Pro127Arg). This variant is not present in population databases (gnomAD no frequency). This variant has not been reported in the literature in individuals affected with LAMP2-related conditions. ClinVar contains an entry for this variant (Variation ID: 1329244). Advanced modeling of protein sequence and biophysical properties (such as structural, functional, and spatial information, amino acid conservation, physicochemical variation, residue mobility, and thermodynamic stability) performed at Invitae indicates that this missense variant is expected to disrupt LAMP2 protein function with a positive predictive value of 80%. In summary, the available evidence is currently insufficient to determine the role of this variant in disease. Therefore, it has been classified as a Variant of Uncertain Significance.

Women's Health and Genetics/Laboratory Corporation of America, LabCorp
Classification: Uncertain significance. Last evaluated: 2023-01-29. Review status: criteria provided, single submitter. Criteria: LabCorp Variant Classification Summary - May 2015. Collection method: clinical testing. Allele origin: germline.

CHEO Genetics Diagnostic Laboratory, Children's Hospital of Eastern Ontario
Classification: Uncertain significance for Cardiomyopathy. Last evaluated: 2019-12-02. Review status: criteria provided, single submitter. Criteria: ACMG Guidelines, 2015. Collection method: clinical testing. Allele origin: germline.

NM_002294.3(LAMP2):c.380C>G (p.Pro127Arg)

Gene: LAMP2 (lysosome associated membrane protein 2; minus strand). Cytogenetic location: Xq24.
Variant type: single nucleotide variant.
Coding change: c.380C>G on transcript NM_002294.3 (MANE Select); coding-DNA position 380, C replaced by G.
Protein change: p.Pro127Arg; replaces proline 127 with arginine.
Molecular consequence: missense variant.
Genome position (GRCh38, 1-based): chrX:120,455,374, G>C on the plus strand (C>G on the coding strand, the complement: LAMP2 is on the minus strand). VCF-style: chrX-120455374-G-C. GRCh37 (hg19) VCF-style: chrX-119589229-G-C.
Other names: c.380C>G, p.Pro127Arg (NM_001122606.1, NM_013995.2); short protein forms P127R.
Identifiers: ClinVar variation 1329244 (VCV001329244.13), dbSNP rs1200950486, ClinGen allele CA414402753.